The following is an entry in ClinVar:

ClinVar aggregate classification (germline): Uncertain significance (1 of 4 stars; one submission).

Conditions:
Primary ciliary dyskinesia. Also called: Ciliary dyskinesia. Identifiers: Orphanet 244, MedGen C0008780, MONDO:0016575, HP:0012265.

Allele frequency attached by ClinVar (database versions not stated): ExAC 0.00001; TOPMed 0.00001.
gnomAD v4.1: 28 of 1,613,740 alleles (0.0017%); highest among the groups gnomAD compares: Non-Finnish European, 0.0023%; no homozygotes.

Submission:

Ambry Genetics
Classification: Uncertain significance for Primary ciliary dyskinesia. Last evaluated: 2018-12-19. Review status: criteria provided, single submitter. Criteria: Ambry Variant Classification Scheme 2023. Collection method: clinical testing. Allele origin: germline.
Comment: The p.H608P variant (also known as c.1823A>C), located in coding exon 19 of the DNAI1 gene, results from an A to C substitution at nucleotide position 1823. The histidine at codon 608 is replaced by proline, an amino acid with similar properties. This amino acid position is highly conserved in available vertebrate species. In addition, this alteration is predicted to be deleterious by in silico analysis. Since supporting evidence is limited at this time, the clinical significance of this alteration remains unclear.

NM_012144.4(DNAI1):c.1823A>C (p.His608Pro)

Gene: DNAI1 (dynein axonemal intermediate chain 1; plus strand). Cytogenetic location: 9p13.3.
Variant type: single nucleotide variant.
Coding change: c.1823A>C on transcript NM_012144.4 (MANE Select); coding-DNA position 1823, A replaced by C.
Protein change: p.His608Pro; replaces histidine 608 with proline.
Molecular consequence: missense variant.
Genome position (GRCh38, 1-based): chr9:34,517,289, A>C. VCF-style: chr9-34517289-A-C. GRCh37 (hg19) VCF-style: chr9-34517287-A-C.
Other names: c.1835A>C, p.His612Pro (NM_001281428.2); short protein forms H608P, H612P.
Identifiers: ClinVar variation 1780789 (VCV001780789.2), dbSNP rs778259447, ClinGen allele CA5034562.